The following is an entry in ClinVar:

NM_199242.3(UNC13D):c.631G>A (p.Glu211Lys)

Gene: UNC13D (unc-13 homolog D; minus strand). Cytogenetic location: 17q25.1.
Variant type: single nucleotide variant.
Coding change: c.631G>A on transcript NM_199242.3 (MANE Select); coding-DNA position 631, G replaced by A.
Protein change: p.Glu211Lys; replaces glutamic acid 211 with lysine.
Molecular consequence: missense variant.
Genome position (GRCh38, 1-based): chr17:75,840,814, C>T on the plus strand (G>A on the coding strand, the complement: UNC13D is on the minus strand). VCF-style: chr17-75840814-C-T. GRCh37 (hg19) VCF-style: chr17-73836895-C-T.
Other names: short protein forms E211K.
Identifiers: ClinVar variation 2090104 (VCV002090104.4), dbSNP rs1176287828, ClinGen allele CA401111522.
Genomic context (GRCh38, chr17:75,840,814, plus strand): 5'-ACACGAACCTGCGAAGCCCATGCAGATCCGTGAGCTCCCCAAGCTTCTGTCGGACAGACT[C>T]CACAGTGTCCAGGTCCCTGGCAGGACAGAGGTTTGAGAAGGAAGCAGAGAGAGTGCCTAC-3'
Protein context (NP_954712.1, residues 201-221): HLDMWDLDTV[Glu211Lys]SVRQKLGELT

ClinVar aggregate classification (germline): Uncertain significance (1 of 4 stars; one submission).

Conditions:
Familial hemophagocytic lymphohistiocytosis 3 (FHL3). Also called: UNC13D-Related Familial Hemophagocytic Lymphohistiocytosis (UNC13D-fHLH). Identifiers: Orphanet 540, MedGen C1837174, MONDO:0012146, OMIM 608898.

Submission:

Labcorp Genetics (formerly Invitae), Labcorp
Classification: Uncertain significance for Familial hemophagocytic lymphohistiocytosis 3. Last evaluated: 2022-07-12. Review status: criteria provided, single submitter. Criteria: Invitae Variant Classification Sherloc (09022015). Collection method: clinical testing. Allele origin: germline.
Comment: This sequence change replaces glutamic acid, which is acidic and polar, with lysine, which is basic and polar, at codon 211 of the UNC13D protein (p.Glu211Lys). This variant is not present in population databases (gnomAD no frequency). This variant has not been reported in the literature in individuals affected with UNC13D-related conditions. Algorithms developed to predict the effect of missense changes on protein structure and function are either unavailable or do not agree on the potential impact of this missense change (SIFT: "Not Available"; PolyPhen-2: "Probably Damaging"; Align-GVGD: "Not Available"). In summary, the available evidence is currently insufficient to determine the role of this variant in disease. Therefore, it has been classified as a Variant of Uncertain Significance.